The following is an entry in ClinVar:

NM_003562.5(SLC25A11):c.568C>T (p.Arg190Trp)

Gene: SLC25A11 (solute carrier family 25 member 11; minus strand). Cytogenetic location: 17p13.2.
Variant type: single nucleotide variant.
Coding change: c.568C>T on transcript NM_003562.5 (MANE Select); coding-DNA position 568, C replaced by T.
Protein change: p.Arg190Trp; replaces arginine 190 with tryptophan.
Molecular consequence: missense variant.
Genome position (GRCh38, 1-based): chr17:4,938,408, G>A on the plus strand (C>T on the coding strand, the complement: SLC25A11 is on the minus strand). VCF-style: chr17-4938408-G-A. GRCh37 (hg19) VCF-style: chr17-4841703-G-A.
Other names: c.535C>T, p.Arg179Trp (NM_001165417.2); c.415C>T, p.Arg139Trp (NM_001165418.2); short protein forms R179W, R139W, R190W.
Identifiers: ClinVar variation 3631326 (VCV003631326.2).

ClinVar aggregate classification (germline): Uncertain significance (1 of 4 stars; one submission).

Submission:

Labcorp Genetics (formerly Invitae), Labcorp
Classification: Uncertain significance. Last evaluated: 2024-10-29. Review status: criteria provided, single submitter. Criteria: Invitae Variant Classification Sherloc (09022015). Collection method: clinical testing. Allele origin: germline.
Comment: This sequence change replaces arginine, which is basic and polar, with tryptophan, which is neutral and slightly polar, at codon 190 of the SLC25A11 protein (p.Arg190Trp). This variant is present in population databases (rs143817391, gnomAD 0.003%). This variant has not been reported in the literature in individuals affected with SLC25A11-related conditions. Invitae Evidence Modeling of protein sequence and biophysical properties (such as structural, functional, and spatial information, amino acid conservation, physicochemical variation, residue mobility, and thermodynamic stability) indicates that this missense variant is expected to disrupt SLC25A11 protein function with a positive predictive value of 80%. In summary, the available evidence is currently insufficient to determine the role of this variant in disease. Therefore, it has been classified as a Variant of Uncertain Significance.